The following is an entry in ClinVar:

ClinVar aggregate classification (germline): Uncertain significance (1 of 4 stars; one submission).

Conditions:
Hereditary cancer-predisposing syndrome. Also called: Neoplastic Syndromes, Hereditary; Tumor predisposition; Hereditary Cancer Syndrome; Hereditary neoplastic syndrome. Identifiers: Orphanet 140162, MedGen C0027672, MeSH D009386, MONDO:0015356.

Submission:

Ambry Genetics
Classification: Uncertain significance for Hereditary cancer-predisposing syndrome. Last evaluated: 2022-06-14. Review status: criteria provided, single submitter. Criteria: Ambry Variant Classification Scheme 2023. Collection method: clinical testing. Allele origin: germline.
Comment: The p.S691C variant (also known as c.2071A>T), located in coding exon 5 of the PALB2 gene, results from an A to T substitution at nucleotide position 2071. The serine at codon 691 is replaced by cysteine, an amino acid with dissimilar properties. This amino acid position is conserved. In addition, this alteration is predicted to be tolerated by in silico analysis. Since supporting evidence is limited at this time, the clinical significance of this alteration remains unclear.

NM_024675.4(PALB2):c.2071A>T (p.Ser691Cys)

Gene: PALB2 (partner and localizer of BRCA2; minus strand). Cytogenetic location: 16p12.2.
Variant type: single nucleotide variant.
Coding change: c.2071A>T on transcript NM_024675.4 (MANE Select); coding-DNA position 2071, A replaced by T.
Protein change: p.Ser691Cys; replaces serine 691 with cysteine.
Molecular consequence: missense variant.
Genome position (GRCh38, 1-based): chr16:23,630,083, T>A on the plus strand (A>T on the coding strand, the complement: PALB2 is on the minus strand). VCF-style: chr16-23630083-T-A. GRCh37 (hg19) VCF-style: chr16-23641404-T-A.
Other names: c.2011A>T, p.Ser671Cys (NM_001407296.1); c.2071A>T, p.Ser691Cys (NM_001407297.1, NM_001407298.1, NM_001407299.1 and 3 more transcripts); c.1186A>T, p.Ser396Cys (NM_001407304.1, NM_001407305.1, NM_001407306.1 and 5 more transcripts); c.283A>T, p.Ser95Cys (NM_001407312.1, NM_001407313.1); short protein forms S396C, S671C, S691C, S95C.
Identifiers: ClinVar variation 1785397 (VCV001785397.2), dbSNP rs1555460504, ClinGen allele CA395126633.
Genomic context (GRCh38, chr16:23,630,083, plus strand): 5'-CCGTATTTAAAGGAGTATAAAGTAATATGGATGAAGAAAGGCCCGTCTTTGTATGCTGGC[T>A]TTGCGAGTTTGGCCTTTTGGGATGTGATTTTCCTGGTAGAACAATAAGGTCCTCTTCTAA-3'
Protein context (NP_078951.2, residues 681-701): KSHPKRPNSQ[Ser691Cys]QHTKTGLSSS